The following is an entry in ClinVar:

NM_002137.4(HNRNPA2B1):c.264+6C>A

Gene: HNRNPA2B1 (heterogeneous nuclear ribonucleoprotein A2/B1; minus strand). Cytogenetic location: 7p15.2.
Variant type: single nucleotide variant.
Coding change: c.264+6C>A on transcript NM_002137.4 (MANE Select); 6 bases into the intron after coding-DNA position 264, C replaced by A.
Molecular consequence: intron variant.
Genome position (GRCh38, 1-based): chr7:26,197,309, G>T on the plus strand (C>A on the coding strand, the complement: HNRNPA2B1 is on the minus strand). VCF-style: chr7-26197309-G-T. GRCh37 (hg19) VCF-style: chr7-26236929-G-T.
Other names: c.264+6C>A (NM_001438578.1, NM_001438576.1, NM_001438575.1 and 4 more transcripts); c.300+6C>A (NM_001438574.1, NM_001438573.1, NM_001438568.1 and 3 more transcripts).
Identifiers: ClinVar variation 3691218 (VCV003691218.2).

ClinVar aggregate classification (germline): Uncertain significance (1 of 4 stars; one submission).

Conditions:
Inclusion body myopathy with early-onset Paget disease with or without frontotemporal dementia 2 (IBMPFD2). Also called: MULTISYSTEM PROTEINOPATHY 2. Identifiers: MedGen C3809468, MONDO:0014178, OMIM 615422.

gnomAD v4.1: 1 of 1,604,572 alleles (0.000062%); no homozygotes.

Submission:

Labcorp Genetics (formerly Invitae), Labcorp
Classification: Uncertain significance for Inclusion body myopathy with early-onset Paget disease with or without frontotemporal dementia 2. Last evaluated: 2024-11-18. Review status: criteria provided, single submitter. Criteria: Invitae Variant Classification Sherloc (09022015). Collection method: clinical testing. Allele origin: germline.
Comment: This sequence change falls in intron 4 of the HNRNPA2B1 gene. It does not directly change the encoded amino acid sequence of the HNRNPA2B1 protein. It affects a nucleotide within the consensus splice site. This variant is not present in population databases (gnomAD no frequency). This variant has not been reported in the literature in individuals affected with HNRNPA2B1-related conditions. Variants that disrupt the consensus splice site are a relatively common cause of aberrant splicing (PMID: 17576681, 9536098). Algorithms developed to predict the effect of sequence changes on RNA splicing suggest that this variant is not likely to affect RNA splicing. In summary, the available evidence is currently insufficient to determine the role of this variant in disease. Therefore, it has been classified as a Variant of Uncertain Significance.

Literature cited by the submitters: PubMed 17576681; PubMed 9536098.